The following is an entry in ClinVar:

NM_020975.6(RET):c.1045G>A (p.Ala349Thr)

Gene: RET (ret proto-oncogene; plus strand). Cytogenetic location: 10q11.21.
Variant type: single nucleotide variant.
Coding change: c.1045G>A on transcript NM_020975.6 (MANE Select); coding-DNA position 1045, G replaced by A.
Protein change: p.Ala349Thr; replaces alanine 349 with threonine.
Molecular consequence: missense variant. On other transcripts: intron variant (25).
Genome position (GRCh38, 1-based): chr10:43,106,553, G>A. VCF-style: chr10-43106553-G-A. GRCh37 (hg19) VCF-style: chr10-43602001-G-A.
Other names: c.283G>A, p.Ala95Thr (NM_001355216.2); c.1045G>A, p.Ala349Thr (NM_001406743.1, NM_001406744.1, NM_001406759.1 and 4 more transcripts); c.916G>A, p.Ala306Thr (NM_001406761.1, NM_001406762.1, NM_001406764.1 and 1 more transcripts); c.757G>A, p.Ala253Thr (NM_001406766.1, NM_001406767.1, NM_001406770.1); c.867+1360G>A (NM_001406772.1, NM_001406769.1); c.626-2478G>A (NM_001406773.1, NM_001406771.1); c.625+3924G>A (NM_001406782.1, NM_001406780.1, NM_001406779.1 and 3 more transcripts); c.738+1360G>A (NM_001406774.1); and 5 more; short protein forms A253T, A349T, A306T, A95T.
Identifiers: ClinVar variation 4827656 (VCV004827656.2).
Genomic context (GRCh38, chr10:43,106,553, plus strand): 5'-TTCCGGGTGGAACACTGGCCCAACGAGACCTCGGTCCAGGCCAACGGCAGCTTCGTGCGG[G>A]CGACCGTACATGACTATAGTAAGAGGGGCTGGTGGCACGGCCTGGCTAGGCCCCCAGGAA-3'
Protein context (NP_066124.1, residues 339-359): SVQANGSFVR[Ala349Thr]TVHDYRLVLN

ClinVar aggregate classification (germline): Uncertain significance. Review status: criteria provided, multiple submitters, no conflicts (2 of 4 stars). 2 submissions from 2 submitters: Uncertain significance (2). Last evaluated 2026-02-25.

Conditions:
Hereditary cancer-predisposing syndrome. Also called: Hereditary neoplastic syndrome; Tumor predisposition; Hereditary Cancer Syndrome; Neoplastic Syndromes, Hereditary. Identifiers: Orphanet 140162, MedGen C0027672, MeSH D009386, MONDO:0015356.
RET-related disorder. Also called: RET-related condition; RET-related disease; RET-related disorders.

Submissions (2):

Ambry Genetics
Classification: Uncertain significance for Hereditary cancer-predisposing syndrome. Last evaluated: 2026-02-25. Review status: criteria provided, single submitter. Criteria: Ambry Variant Classification Scheme 2023. Collection method: clinical testing. Allele origin: germline.
Comment: The p.A349T variant (also known as c.1045G>A), located in coding exon 5 of the RET gene, results from a G to A substitution at nucleotide position 1045. The alanine at codon 349 is replaced by threonine, an amino acid with similar properties. This amino acid position is well conserved in available vertebrate species. In addition, the in silico prediction for this alteration is inconclusive. Based on the available evidence, the clinical significance of this variant remains unclear.

PreventionGenetics, part of Exact Sciences
Classification: Uncertain significance for RET-related condition. Last evaluated: 2025-10-22. Review status: criteria provided, single submitter. Criteria: ACMG Guidelines, 2015. Collection method: clinical testing. Allele origin: germline.
Comment: The RET c.1045G>A variant is predicted to result in the amino acid substitution p.Ala349Thr. To our knowledge, this variant has not been reported in the literature in individuals with RET-related disorders or in a large population database (gnomAD), indicating this variant is rare. At this time, the clinical significance of this variant is uncertain due to the absence of conclusive functional and genetic evidence.